The following is an entry in ClinVar:

ClinVar aggregate classification (germline): Uncertain significance. Review status: criteria provided, multiple submitters, no conflicts (2 of 4 stars). 2 submissions from 2 submitters: Uncertain significance (2). Last evaluated 2026-08-18.

Conditions:
Inborn genetic diseases. Identifiers: MedGen C0950123, MeSH D030342.

gnomAD v4.1: 6 of 1,583,788 alleles (0.00038%); highest among the groups gnomAD compares: Middle Eastern, 0.017%; no homozygotes.

Submissions (2):

Ambry Genetics
Classification: Uncertain significance for Inborn genetic diseases. Last evaluated: 2026-08-18. Review status: criteria provided, single submitter. Criteria: Ambry Variant Classification Scheme 2023. Collection method: clinical testing. Allele origin: germline.
Comment: The c.3154C>A (p.L1052I) alteration is located in exon 3 (coding exon 1) of the RAI1 gene. This alteration results from a C to A substitution at nucleotide position 3154, causing the leucine (L) at amino acid position 1052 to be replaced by an isoleucine (I). Based on data from gnomAD, the A allele has an overall frequency of <0.001% (0/191192) total alleles studied. The highest observed frequency was <0.001% (/) of alleles. Based on insufficient or conflicting evidence, the clinical significance of this alteration remains unclear.

Labcorp Genetics (formerly Invitae), Labcorp
Classification: Uncertain significance. Last evaluated: 2024-03-20. Review status: criteria provided, single submitter. Criteria: Invitae Variant Classification Sherloc (09022015). Collection method: clinical testing. Allele origin: germline.
Comment: This sequence change replaces leucine, which is neutral and non-polar, with isoleucine, which is neutral and non-polar, at codon 1052 of the RAI1 protein (p.Leu1052Ile). This variant is not present in population databases (gnomAD no frequency). This variant has not been reported in the literature in individuals affected with RAI1-related conditions. Advanced modeling of protein sequence and biophysical properties (such as structural, functional, and spatial information, amino acid conservation, physicochemical variation, residue mobility, and thermodynamic stability) has been performed at Invitae for this missense variant, however the output from this modeling did not meet the statistical confidence thresholds required to predict the impact of this variant on RAI1 protein function. In summary, the available evidence is currently insufficient to determine the role of this variant in disease. Therefore, it has been classified as a Variant of Uncertain Significance.

NM_030665.4(RAI1):c.3154C>A (p.Leu1052Ile)

Gene: RAI1 (retinoic acid induced 1; plus strand). Cytogenetic location: 17p11.2.
Variant type: single nucleotide variant.
Coding change: c.3154C>A on transcript NM_030665.4 (MANE Select); coding-DNA position 3154, C replaced by A.
Protein change: p.Leu1052Ile; replaces leucine 1052 with isoleucine.
Molecular consequence: missense variant.
Genome position (GRCh38, 1-based): chr17:17,796,102, C>A. VCF-style: chr17-17796102-C-A. GRCh37 (hg19) VCF-style: chr17-17699416-C-A.
Other names: c.3154C>A (NM_030665.3); short protein forms L1052I.
Identifiers: ClinVar variation 3707323 (VCV003707323.3).